The following is an entry in ClinVar:

NM_001164277.2(SLC37A4):c.205G>T (p.Val69Leu)

Gene: SLC37A4 (solute carrier family 37 member 4; minus strand). Cytogenetic location: 11q23.3.
Variant type: single nucleotide variant.
Coding change: c.205G>T on transcript NM_001164277.2 (MANE Select); coding-DNA position 205, G replaced by T.
Protein change: p.Val69Leu; replaces valine 69 with leucine.
Molecular consequence: missense variant. On other transcripts: 5 prime UTR variant (1).
Genome position (GRCh38, 1-based): chr11:119,028,370, C>A on the plus strand (G>T on the coding strand, the complement: SLC37A4 is on the minus strand). VCF-style: chr11-119028370-C-A. GRCh37 (hg19) VCF-style: chr11-118899080-C-A.
Other names: c.205G>T (NM_001467.5); c.205G>T, p.Val69Leu (NM_001164278.2, NM_001164280.2, NM_001467.6); c.-15G>T (NM_001164279.2); short protein forms V69L.
Identifiers: ClinVar variation 529222 (VCV000529222.14), dbSNP rs375754042, ClinGen allele CA6311886.

ClinVar aggregate classification (germline): Uncertain significance. Review status: criteria provided, multiple submitters, no conflicts (2 of 4 stars). 7 submissions from 7 submitters: Uncertain significance (6). 1 of the submissions does not count toward it. Last evaluated 2024-12-19.

Conditions:
Phosphate transport defect (GSD1C). Also called: GSD Ic; GLYCOGEN STORAGE DISEASE Ic. Identifiers: Orphanet 364, Orphanet 79259, MedGen C0342749, OMIM 232240.
Congenital disorder of glycosylation, type IIw. Identifiers: MedGen C5561986, MONDO:0030437, OMIM 619525.
Glucose-6-phosphate transport defect (GSD1B). Also called: GSD Ib; Glycogen Storage Disease Type Ib. Identifiers: Orphanet 364, Orphanet 79259, MedGen C0268146, MONDO:0009288, OMIM 232220.
Inborn genetic diseases. Identifiers: MedGen C0950123, MeSH D030342.

Allele frequency attached by ClinVar (database versions not stated): gnomAD 0.00038 and 0.00042; ESP Exome Variant Server 0.00040; TOPMed 0.00045; 1000 Genomes Project 0.00060; 1000 Genomes Project 30x 0.00078.

Submissions (7):

Labcorp Genetics (formerly Invitae), Labcorp
Classification: Uncertain significance for Glucose-6-phosphate transport defect. Last evaluated: 2024-12-19. Review status: criteria provided, single submitter. Criteria: Invitae Variant Classification Sherloc (09022015). Collection method: clinical testing. Allele origin: germline.
Comment: This sequence change replaces valine, which is neutral and non-polar, with leucine, which is neutral and non-polar, at codon 69 of the SLC37A4 protein (p.Val69Leu). This variant is present in population databases (rs375754042, gnomAD 0.1%). This variant has not been reported in the literature in individuals affected with SLC37A4-related conditions. ClinVar contains an entry for this variant (Variation ID: 529222). Invitae Evidence Modeling of protein sequence and biophysical properties (such as structural, functional, and spatial information, amino acid conservation, physicochemical variation, residue mobility, and thermodynamic stability) indicates that this missense variant is not expected to disrupt SLC37A4 protein function with a negative predictive value of 80%. In summary, the available evidence is currently insufficient to determine the role of this variant in disease. Therefore, it has been classified as a Variant of Uncertain Significance.

Ambry Genetics
Classification: Uncertain significance for Inborn genetic diseases. Last evaluated: 2023-11-27. Review status: criteria provided, single submitter. Criteria: Ambry Variant Classification Scheme 2023. Collection method: clinical testing. Allele origin: germline.
Comment: The p.V69L variant (also known as c.205G>T), located in coding exon 2 of the SLC37A4 gene, results from a G to T substitution at nucleotide position 205. The valine at codon 69 is replaced by leucine, an amino acid with highly similar properties. This amino acid position is conserved. In addition, this alteration is predicted to be deleterious by in silico analysis. Since supporting evidence is limited at this time, the clinical significance of this alteration remains unclear.

Fulgent Genetics
Classification: Uncertain significance for Glucose-6-phosphate transport defect; Phosphate transport defect; Congenital disorder of glycosylation, type IIw. Last evaluated: 2022-02-16. Review status: criteria provided, single submitter. Criteria: ACMG Guidelines, 2015. Collection method: clinical testing. Allele origin: unknown.

GeneDx
Classification: Uncertain significance. Last evaluated: 2021-01-27. Review status: criteria provided, single submitter. Criteria: GeneDx Variant Classification Process June 2021. Collection method: clinical testing. Allele origin: germline. Affected: yes.
Comment: In silico analysis supports that this missense variant does not alter protein structure/function; Has not been previously published as pathogenic or benign to our knowledge

Baylor Genetics
Classification: Uncertain significance for Glucose-6-phosphate transport defect. Last evaluated: 2019-03-28. Review status: criteria provided, single submitter. Criteria: ACMG Guidelines, 2015. Collection method: clinical testing. Allele origin: maternal. Affected: yes.
Comment: This variant was determined to be of uncertain significance according to ACMG Guidelines, 2015 [PMID:25741868].

Breakthrough Genomics
Classification: Uncertain significance. Review status: criteria provided, single submitter. Criteria: ACMG Guidelines, 2015. Collection method: not provided. Allele origin: germline. Inheritance: Autosomal recessive inheritance. Affected: yes.

Natera, Inc.
Classification: Uncertain significance for Glycogen storage disease type Ib. Last evaluated: 2019-11-11. Review status: no assertion criteria provided. Collection method: clinical testing. Allele origin: germline. Not counted in ClinVar's aggregate classification.